The following is an entry in ClinVar:

ClinVar aggregate classification (germline): Uncertain significance (1 of 4 stars; one submission).

Conditions:
Neuronopathy, distal hereditary motor, type 7A. Also called: HARPER-YOUNG MYOPATHY; HMN VIIA; Neuronopathy, distal hereditary motor, type viia; NEURONOPATHY, DISTAL HEREDITARY MOTOR, HARDING TYPE VIIA; NEUROPATHY, DISTAL HEREDITARY MOTOR, HARDING TYPE VIIA; Neuronopathy, distal hereditary motor, autosomal dominant 7. Identifiers: Orphanet 139589, MedGen C1834703, MONDO:0008024, OMIM 158580.
Congenital myasthenic syndrome 20. Also called: Myasthenic syndrome, congenital, 20, presynaptic. Identifiers: MedGen C4310694, MONDO:0014939, OMIM 617143.

Submission:

Labcorp Genetics (formerly Invitae), Labcorp
Classification: Uncertain significance for Neuronopathy, distal hereditary motor, type 7A; Congenital myasthenic syndrome 20. Last evaluated: 2023-10-20. Review status: criteria provided, single submitter. Criteria: Invitae Variant Classification Sherloc (09022015). Collection method: clinical testing. Allele origin: germline.
Comment: This sequence change creates a premature translational stop signal (p.Tyr500*) in the SLC5A7 gene. While this is not anticipated to result in nonsense mediated decay, it is expected to disrupt the last 81 amino acid(s) of the SLC5A7 protein. This variant is not present in population databases (gnomAD no frequency). This variant has not been reported in the literature in individuals affected with SLC5A7-related conditions. Experimental studies and prediction algorithms are not available or were not evaluated, and the functional significance of this variant is currently unknown. In summary, the available evidence is currently insufficient to determine the role of this variant in disease. Therefore, it has been classified as a Variant of Uncertain Significance.

NM_021815.5(SLC5A7):c.1500T>A (p.Tyr500Ter)

Gene: SLC5A7 (solute carrier family 5 member 7; plus strand). Cytogenetic location: 2q12.3.
Variant type: single nucleotide variant.
Coding change: c.1500T>A on transcript NM_021815.5 (MANE Select); coding-DNA position 1500, T replaced by A.
Protein change: p.Tyr500Ter; replaces tyrosine 500 with a stop codon.
Molecular consequence: nonsense.
Genome position (GRCh38, 1-based): chr2:108,010,618, T>A. VCF-style: chr2-108010618-T-A. GRCh37 (hg19) VCF-style: chr2-108627074-T-A.
Other names: c.1500T>A, p.Tyr500Ter (NM_001305005.3); c.1185T>A, p.Tyr395Ter (NM_001305006.3); c.759T>A, p.Tyr253Ter (NM_001305007.3); short protein forms Y253*, Y395*, Y500*.
Identifiers: ClinVar variation 2953104 (VCV002953104.3), dbSNP rs2467133865, ClinGen allele CA348114714.
Genomic context (GRCh38, chr2:108,010,618, plus strand): 5'-AACACTTGCCATGGTTACATCATTCTTAACCAACATTTGCATCTCCTATCTAGCCAAGTA[T>A]CTATTTGAAAGTGGAACCTTGCCACCTAAATTAGATGTATTTGATGCTGTTGTTGCAAGA-3'